The following is an entry in ClinVar:

ClinVar aggregate classification (germline): Likely pathogenic (1 of 4 stars; one submission).

Conditions:
Focal segmental glomerulosclerosis 5 (FSGS5). Identifiers: Orphanet 656, MedGen C2750475, MONDO:0013191, OMIM 613237.

Submission:

MVZ Medizinische Genetik Mainz
Classification: Likely pathogenic for Focal segmental glomerulosclerosis 5. Last evaluated: 2025-03-27. Review status: criteria provided, single submitter. Criteria: UK Practice Guidelines For Variant Classification V4 01 2020. Collection method: clinical testing. Allele origin: germline. Inheritance: Autosomal dominant inheritance. Affected: yes. Observed: 1 variant allele.
Comment: ACMG Criteria: PM2_SUP

NM_022489.4(INF2):c.481A>C (p.Thr161Pro)

Gene: INF2 (inverted formin 2; plus strand). Cytogenetic location: 14q32.33.
Variant type: single nucleotide variant.
Coding change: c.481A>C on transcript NM_022489.4 (MANE Select); coding-DNA position 481, A replaced by C.
Protein change: p.Thr161Pro; replaces threonine 161 with proline.
Molecular consequence: missense variant. On other transcripts: non-coding transcript variant (1).
Genome position (GRCh38, 1-based): chr14:104,703,194, A>C. VCF-style: chr14-104703194-A-C. GRCh37 (hg19) VCF-style: chr14-105169531-A-C.
Other names: c.481A>C, p.Thr161Pro (NM_001031714.4, NM_001426862.1, NM_001426863.1 and 6 more transcripts); short protein forms T161P.
Identifiers: ClinVar variation 3894538 (VCV003894538.1).